The following is an entry in ClinVar:

ClinVar aggregate classification (germline): Benign (1 of 4 stars; one submission).

Submission:

Unidad de Genómica Garrahan, Hospital de Pediatría Garrahan
Classification: Benign. Last evaluated: 2024-01-24. Review status: criteria provided, single submitter. Criteria: ACMG Guidelines, 2015. Collection method: clinical testing. Allele origin: germline. Affected: no. Observed: 29 variant alleles.
Comment: This variant is classified as Benign based on local population frequency. This variant was detected in 31% of patients studied by a panel of primary immunodeficiencies. Number of patients: 29. Only high quality variants are reported.

NM_004706.4(ARHGEF1):c.1839+125_1839+126insGA

Gene: ARHGEF1 (Rho guanine nucleotide exchange factor 1; plus strand). Cytogenetic location: 19q13.2.
Variant type: Insertion.
Coding change: c.1839+125_1839+126insGA on transcript NM_004706.4 (MANE Select); bases 125 to 126 of the intron after coding-DNA position 1839, GA inserted.
Molecular consequence: intron variant.
Genome position: GRCh38 VCF-style: chr19-41903532-T-TGA. GRCh37 (hg19) VCF-style: chr19-42407684-T-TGA.
Other names: c.1839+125_1839+126insGA (NM_001396003.1, NM_001396006.1); c.1740+125_1740+126insGA (NM_001396002.1, NM_198977.2, NM_001396004.1); c.2007+125_2007+126insGA (NM_001396000.1); c.1884+125_1884+126insGA (NM_199002.2).
Identifiers: ClinVar variation 2688244 (VCV002688244.2), dbSNP rs2513897748, ClinGen allele CA2585360209.
Genomic context (GRCh38, chr19:41,903,532, plus strand): 5'-CTCAGCCTGTCCAGAAGTCACACCCCACCCCTTGGCTTGTCTCCCTCAAGGGTCACTGTG[T>TGA]CCAGGGGTTGGCTTGGCCCTCAGCATCTCCCTCTCAGGGTCATTGGAGGTCAGGCCCAAC-3'